The following is an entry in ClinVar:

ClinVar aggregate classification (germline): Benign/Likely benign. Review status: criteria provided, multiple submitters, no conflicts (2 of 4 stars). 9 submissions from 9 submitters: Benign (5); Likely benign (1). 3 of the submissions do not count toward it. Last evaluated 2026-01-26.

Conditions:
Hypertrophic cardiomyopathy. Also called: HYPERTROPHIC MYOCARDIOPATHY. Identifiers: Orphanet 217569, MedGen C0007194, MeSH D002312, MONDO:0005045, HP:0001639.
Primary dilated cardiomyopathy (DCM). Also called: Dilated Cardiomyopathy. Identifiers: Orphanet 217604, MedGen C0007193, MeSH D002311, MONDO:0005021, HP:0001644. Inheritance: Various modes of inheritance.

Allele frequency attached by ClinVar (database versions not stated): 1000 Genomes Project 0.00060; TOPMed 0.00099; gnomAD 0.00111 and 0.00107; gnomAD exomes 0.00146 and 0.00137; 1000 Genomes Project 30x 0.00047; ESP Exome Variant Server 0.00131; ExAC 0.00181.
gnomAD v4.1: 2,128 of 1,614,168 alleles (0.13%); highest among the groups gnomAD compares: South Asian, 0.16%; 8 homozygotes.

Submissions (10):

Labcorp Genetics (formerly Invitae), Labcorp
Classification: Benign for Hypertrophic cardiomyopathy; Primary dilated cardiomyopathy. Last evaluated: 2026-01-26. Review status: criteria provided, single submitter. Criteria: Invitae Variant Classification Sherloc (09022015). Collection method: clinical testing. Allele origin: germline.

Women's Health and Genetics/Laboratory Corporation of America, LabCorp
Classification: Benign. Last evaluated: 2025-12-23. Review status: criteria provided, single submitter. Criteria: LabCorp Variant Classification Summary - May 2015. Collection method: clinical testing. Allele origin: germline.
Comment: Variant summary: PDLIM3 c.387G>A alters a conserved nucleotide resulting in a synonymous change. Several computational tools predict a significant impact on normal splicing: Three predict the variant creates a 3' acceptor site. Two predict the variant no significant impact on splicing. However, these predictions have yet to be confirmed by functional studies. The variant allele was found at a frequency of 0.0015 in 251460 control chromosomes. The observed variant frequency exceeds the estimated maximal expected allele frequency for disease-causing variants in PDLIM3. To our knowledge, no occurrence of c.387G>A in individuals affected with PDLIM3-related conditions and no experimental evidence demonstrating its impact on protein function have been reported. ClinVar contains an entry for this variant (Variation ID: 138669). Based on the evidence outlined above, the variant was classified as benign.

Ambry Genetics
Classification: Likely benign. Last evaluated: 2022-05-17. Review status: criteria provided, single submitter. Criteria: Ambry Variant Classification Scheme 2023. Collection method: clinical testing. Allele origin: germline.

Laboratory for Molecular Medicine, Mass General Brigham Personalized Medicine
Classification: Benign. Last evaluated: 2015-04-13. Review status: criteria provided, single submitter. Criteria: LMM Criteria. Collection method: clinical testing. Allele origin: germline. Observed: 3 variant alleles.
Comment: p.Pro129Pro in exon 4 of PDLIM3: This variant is not expected to have clinical s ignificance because it does not alter an amino acid residue and is not located w ithin the splice consensus sequence. It has been identified in 0.3% (192/66724) of European chromosomes by the Exome Aggregation Consortium (ExAC; dbSNP rs138670107).

GeneDx
Classification: Benign. Last evaluated: 2014-06-18. Review status: criteria provided, single submitter. Criteria: GeneDx Variant Classification (06012015). Collection method: clinical testing. Allele origin: germline. Affected: yes.
Comment: This variant is considered likely benign or benign based on one or more of the following criteria: it is a conservative change, it occurs at a poorly conserved position in the protein, it is predicted to be benign by multiple in silico algorithms, and/or has population frequency not consistent with disease.

Breakthrough Genomics
Classification: Benign. Review status: criteria provided, single submitter. Criteria: ACMG Guidelines, 2015. Collection method: not provided. Allele origin: germline. Inheritance: Unknown mechanism. Affected: yes.

Clinical Genetics DNA and cytogenetics Diagnostics Lab, Erasmus MC, Erasmus Medical Center
Classification: Likely benign. Review status: no assertion criteria provided. Collection method: clinical testing. Allele origin: germline. Affected: yes. Study: VKGL Data-share Consensus. Not counted in ClinVar's aggregate classification.

Dr. Peter K. Rogan Lab, Western University
No classification provided (evidence only). Condition: Malignant tumor of urinary bladder. Review status: no classification provided. Collection method: in vitro. Allele origin: not applicable. Functional consequence: skipped exon. Not counted in ClinVar's aggregate classification.

Genome Diagnostics Laboratory, University Medical Center Utrecht
Classification: Likely benign. Review status: no assertion criteria provided. Collection method: clinical testing. Allele origin: germline. Affected: yes. Study: VKGL Data-share Consensus. Not counted in ClinVar's aggregate classification.

Joint Genome Diagnostic Labs from Nijmegen and Maastricht, Radboudumc and MUMC+
Classification: Likely benign. Review status: no assertion criteria provided. Collection method: clinical testing. Allele origin: germline. Affected: yes. Study: VKGL Data-share Consensus. Not counted in ClinVar's aggregate classification.

NM_014476.6(PDLIM3):c.387G>A (p.Pro129=)

Genes: PDLIM3 (PDZ and LIM domain 3; minus strand), LOC126807246 (BRD4-independent group 4 enhancer GRCh37_chr4:186434842-186436041; plus strand). Cytogenetic location: 4q35.1.
Variant type: single nucleotide variant.
Coding change: c.387G>A on transcript NM_014476.6 (MANE Select); coding-DNA position 387, G replaced by A.
Protein change: p.Pro129=; no amino-acid change (proline 129 retained).
Molecular consequence: synonymous variant. On other transcripts: intron variant (1).
Genome position (GRCh38, 1-based): chr4:185,514,281, C>T on the plus strand (G>A on the coding strand, the complement: PDLIM3 is on the minus strand). VCF-style: chr4-185514281-C-T. GRCh37 (hg19) VCF-style: chr4-186435435-C-T.
Other names: p.P129P:CCG>CCA; c.387G>A, p.Pro129= (NM_001257962.2); c.150G>A, p.Pro50= (NM_001257963.2); c.518+422G>A (NM_001114107.5).
Identifiers: ClinVar variation 138669 (VCV000138669.25), dbSNP rs138670107, ClinGen allele CA333134.